The following is an entry in ClinVar:

NM_003793.4(CTSF):c.715C>T (p.Leu239Phe)

Gene: CTSF (cathepsin F; minus strand). Cytogenetic location: 11q13.2.
Variant type: single nucleotide variant.
Coding change: c.715C>T on transcript NM_003793.4 (MANE Select); coding-DNA position 715, C replaced by T.
Protein change: p.Leu239Phe; replaces leucine 239 with phenylalanine.
Molecular consequence: missense variant.
Genome position (GRCh38, 1-based): chr11:66,566,297, G>A on the plus strand (C>T on the coding strand, the complement: CTSF is on the minus strand). VCF-style: chr11-66566297-G-A. GRCh37 (hg19) VCF-style: chr11-66333768-G-A.
Other names: short protein forms L239F.
Identifiers: ClinVar variation 589943 (VCV000589943.9), dbSNP rs745764807, ClinGen allele CA6125480.

ClinVar aggregate classification (germline): Uncertain significance. Review status: criteria provided, multiple submitters, no conflicts (2 of 4 stars). 3 submissions from 3 submitters: Uncertain significance (3). Last evaluated 2025-09-18.

Conditions:
CTSF-related disorder. Also called: CTSF-related condition.
Inborn genetic diseases. Identifiers: MedGen C0950123, MeSH D030342.

Allele frequency attached by ClinVar (database versions not stated): TOPMed 0.00006; ExAC 0.00001; gnomAD exomes 0.00001 and 0.00002; gnomAD 0.00005 and 0.00006.

Submissions (3):

PreventionGenetics, part of Exact Sciences
Classification: Uncertain significance for CTSF-related condition. Last evaluated: 2025-09-18. Review status: criteria provided, single submitter. Criteria: ACMG Guidelines, 2015. Collection method: clinical testing. Allele origin: germline.
Comment: The CTSF c.715C>T variant is predicted to result in the amino acid substitution p.Leu239Phe. To our knowledge, this variant has not been reported in the literature. This variant is reported in 0.025% of alleles in individuals of African descent in gnomAD. At this time, the clinical significance of this variant is uncertain due to the absence of conclusive functional and genetic evidence.

Ambry Genetics
Classification: Uncertain significance for Inborn genetic diseases. Last evaluated: 2025-08-05. Review status: criteria provided, single submitter. Criteria: Ambry Variant Classification Scheme 2023. Collection method: clinical testing. Allele origin: germline.

GeneDx
Classification: Uncertain significance. Last evaluated: 2022-02-21. Review status: criteria provided, single submitter. Criteria: GeneDx Variant Classification Process June 2021. Collection method: clinical testing. Allele origin: germline. Affected: yes.
Comment: In silico analysis supports that this missense variant has a deleterious effect on protein structure/function; Has not been previously published as pathogenic or benign to our knowledge